The following is an entry in ClinVar:

ClinVar aggregate classification (germline): Conflicting classifications of pathogenicity. Review status: criteria provided, conflicting classifications (1 of 4 stars). 7 submissions from 7 submitters: Uncertain significance (5); Likely benign (2). Last evaluated 2026-05-25.

Conditions:
TTN-related disorder. Also called: TTN-related condition; TTN-related disease; TTN-related disorders.
Autosomal recessive limb-girdle muscular dystrophy type 2J (LGMDR10). Also called: Limb-girdle muscular dystrophy, type 2J; MUSCULAR DYSTROPHY, LIMB-GIRDLE, AUTOSOMAL RECESSIVE 10. Identifiers: Orphanet 140922, MedGen C1837342, MONDO:0012127, OMIM 608807.
Dilated cardiomyopathy 1G (CMD1G). Identifiers: Orphanet 154, MedGen C1858763, MONDO:0011400, OMIM 604145.
Myopathy, myofibrillar, 9, with early respiratory failure (MFM9). Also called: Hereditary myopathy with early respiratory failure; EDSTROM MYOPATHY; MYOPATHY, PROXIMAL, WITH EARLY RESPIRATORY MUSCLE INVOLVEMENT; Myopathy, distal, with early respiratory failure, autosomal dominant. Identifiers: Orphanet 178464, Orphanet 34521, MedGen C1863599, MONDO:0011362, OMIM 603689.
Early-onset myopathy with fatal cardiomyopathy (CMYO5). Also called: Salih Myopathy; CONGENITAL MYOPATHY 5 WITH CARDIOMYOPATHY. Identifiers: Orphanet 289377, MedGen C2673677, MONDO:0012714, OMIM 611705. Disease mechanism: loss of function.
Hypertrophic cardiomyopathy 9. Also called: Familial hypertrophic cardiomyopathy 9. Identifiers: MedGen C1861065, MONDO:0013412, OMIM 613765.
Tibial muscular dystrophy (TMD). Also called: Tibial muscular dystrophy, tardive; UDD MYOPATHY; Udd Distal Myopathy – Tibial Muscular Dystrophy. Identifiers: Orphanet 609, MedGen C1838244, MONDO:0010870, OMIM 600334.
Cardiomyopathy (CMYO). Also called: Cardiomyopathies. Identifiers: Orphanet 167848, MedGen C0878544, MONDO:0004994, HP:0001638. Inheritance: Various modes of inheritance.

Allele frequency attached by ClinVar (database versions not stated): TOPMed 0.00028; gnomAD exomes 0.00002 and 0.00006; ExAC 0.00008; gnomAD 0.00024 and 0.00026; ESP Exome Variant Server 0.00025.
gnomAD v4.1: 59 of 1,613,412 alleles (0.0037%); highest among the groups gnomAD compares: African/African-American, 0.075%; no homozygotes.

Submissions (7):

PreventionGenetics, part of Exact Sciences
Classification: Uncertain significance for TTN-related condition. Last evaluated: 2026-05-25. Review status: criteria provided, single submitter. Criteria: ACMG Guidelines, 2015. Collection method: clinical testing. Allele origin: germline.
Comment: The TTN c.27593A>G variant is predicted to result in the amino acid substitution p.Gln9198Arg. To our knowledge, this variant has not been reported in the literature. This variant is reported in 0.095% of alleles in individuals of African descent in gnomAD. Although we suspect that this variant may be benign, at this time, the clinical significance of this variant is uncertain due to the absence of conclusive functional and genetic evidence.

Fulgent Genetics
Classification: Uncertain significance for Tibial muscular dystrophy; Myopathy, myofibrillar, 9, with early respiratory failure; Dilated cardiomyopathy 1G; Autosomal recessive limb-girdle muscular dystrophy type 2J; Early-onset myopathy with fatal cardiomyopathy; Hypertrophic cardiomyopathy 9. Last evaluated: 2024-01-17. Review status: criteria provided, single submitter. Criteria: ACMG Guidelines, 2015. Collection method: clinical testing. Allele origin: germline.

Blueprint Genetics
Classification: Likely benign. Last evaluated: 2022-11-08. Review status: criteria provided, single submitter. Criteria: ACMG Guidelines, 2015. Collection method: clinical testing. Allele origin: germline.

CHEO Genetics Diagnostic Laboratory, Children's Hospital of Eastern Ontario
Classification: Likely benign for Cardiomyopathy. Last evaluated: 2019-11-07. Review status: criteria provided, single submitter. Criteria: ACMG Guidelines, 2015. Collection method: clinical testing. Allele origin: germline.

Labcorp Genetics (formerly Invitae), Labcorp
Classification: Uncertain significance for Dilated cardiomyopathy 1G; Autosomal recessive limb-girdle muscular dystrophy type 2J. Last evaluated: 2017-04-12. Review status: criteria provided, single submitter. Criteria: Invitae Variant Classification Sherloc (09022015). Collection method: clinical testing. Allele origin: germline.

Eurofins Ntd Llc (ga)
Classification: Uncertain significance. Last evaluated: 2016-08-25. Review status: criteria provided, single submitter. Criteria: EGL Classification Definitions 2015. Collection method: clinical testing. Allele origin: germline. Observed: 1 variant allele, 1 heterozygote.

Laboratory for Molecular Medicine, Mass General Brigham Personalized Medicine
Classification: Uncertain significance. Last evaluated: 2012-05-17. Review status: criteria provided, single submitter. Criteria: LMM Criteria. Collection method: clinical testing. Allele origin: germline. Observed: 1 variant allele.
Comment: Variant classified as Uncertain Significance - Favor Benign. The Gln7954Arg vari ant (TTN) has been identified in 0.1% (4/3060) of African American chromosomes b y the NHLBI Exome Sequencing Project in a broad population. Computational analyses (biochemical amino acid properties, conser vation, AlignGVGD, PolyPhen2, and SIFT) do not provide strong support for or aga inst an impact to the normal function of the protein. While the observed frequen cy suggests that this variant is more likely to be benign, it is too low to conf idently rule out a disease causing role. Additional information is needed to ful ly assess its clinical significance.

NM_001267550.2(TTN):c.27593A>G (p.Gln9198Arg)

Gene: TTN (titin; minus strand). Cytogenetic location: 2q31.2.
Variant type: single nucleotide variant.
Coding change: c.27593A>G on transcript NM_001267550.2 (MANE Select); coding-DNA position 27593, A replaced by G.
Protein change: p.Gln9198Arg; replaces glutamine 9198 with arginine.
Molecular consequence: missense variant. On other transcripts: intron variant (3).
Genome position (GRCh38, 1-based): chr2:178,712,329, T>C on the plus strand (A>G on the coding strand, the complement: TTN is on the minus strand). VCF-style: chr2-178712329-T-C. GRCh37 (hg19) VCF-style: chr2-179577056-T-C.
Other names: c.26642A>G, p.Gln8881Arg (NM_001256850.1); c.13282+25753A>G (NM_003319.4); c.13858+25753A>G (NM_133437.4); c.13657+25753A>G (NM_133432.3); c.23861A>G, p.Gln7954Arg (NM_133378.4); short protein forms Q9198R, Q7954R, Q8881R.
Identifiers: ClinVar variation 46796 (VCV000046796.16), dbSNP rs368297438, ClinGen allele CA139213.